The following is an entry in ClinVar:

ClinVar aggregate classification (germline): Benign. Review status: criteria provided, multiple submitters, no conflicts (2 of 4 stars). 4 submissions from 4 submitters: Benign (4). Last evaluated 2026-02-04.

Conditions:
Primary ciliary dyskinesia. Also called: Ciliary dyskinesia. Identifiers: Orphanet 244, MedGen C0008780, MONDO:0016575, HP:0012265.

Allele frequency attached by ClinVar (database versions not stated): TOPMed 0.99402; 1000 Genomes Project 30x 0.99407; gnomAD 0.99433 and 0.99477; gnomAD exomes 0.99947.

Submissions (4):

Labcorp Genetics (formerly Invitae), Labcorp
Classification: Benign for Primary ciliary dyskinesia. Last evaluated: 2026-02-04. Review status: criteria provided, single submitter. Criteria: Invitae Variant Classification Sherloc (09022015). Collection method: clinical testing. Allele origin: germline.

Blueprint Genetics
Classification: Benign. Last evaluated: 2024-11-26. Review status: criteria provided, single submitter. Criteria: ACMG Guidelines, 2015. Collection method: clinical testing. Allele origin: germline.

Laboratory for Molecular Medicine, Mass General Brigham Personalized Medicine
Classification: Benign. Last evaluated: 2016-03-29. Review status: criteria provided, single submitter. Criteria: LMM Criteria. Collection method: clinical testing. Allele origin: germline.
Comment: Variant identified in a genome or exome case(s) and assessed due to predicted null impact of the variant or pathogenic assertions in the literature or databases. Disclaimer: This variant has not undergone full assessment. The following are preliminary notes: MAF

Breakthrough Genomics
Classification: Benign. Review status: criteria provided, single submitter. Criteria: ACMG Guidelines, 2015. Collection method: not provided. Allele origin: germline. Inheritance: Autosomal recessive inheritance. Affected: yes.

NM_145038.5(DRC1):c.1824= (p.Glu608=)

Gene: DRC1 (dynein regulatory complex subunit 1; plus strand). Cytogenetic location: 2p23.3.
Variant type: single nucleotide variant.
Coding change: c.1824= on transcript NM_145038.5 (MANE Select); coding-DNA position 1824, no change from the reference sequence.
Protein change: p.Glu608=; no amino-acid change (glutamic acid 608 retained).
Molecular consequence: no sequence alteration.
Genome position: GRCh38 VCF-style: chr2-26453454-G-G. GRCh37 (hg19) VCF-style: chr2-26676322-A-G.
Identifiers: ClinVar variation 402797 (VCV000402797.15), dbSNP rs1402962.